The following is an entry in ClinVar:

NM_001374736.1(DST):c.21814G>A (p.Val7272Ile)

Gene: DST (dystonin; minus strand). Cytogenetic location: 6p12.1.
Variant type: single nucleotide variant.
Coding change: c.21814G>A on transcript NM_001374736.1 (MANE Select); coding-DNA position 21814, G replaced by A.
Protein change: p.Val7272Ile; replaces valine 7272 with isoleucine.
Molecular consequence: missense variant.
Genome position (GRCh38, 1-based): chr6:56,476,199, C>T on the plus strand (G>A on the coding strand, the complement: DST is on the minus strand). VCF-style: chr6-56476199-C-T. GRCh37 (hg19) VCF-style: chr6-56340997-C-T.
Other names: c.15457G>A, p.Val5153Ile (NM_001144769.5); c.15043G>A, p.Val5015Ile (NM_001144770.2); c.21814G>A, p.Val7272Ile (NM_001374722.1); c.20854G>A, p.Val6952Ile (NM_001374729.1); c.14596G>A, p.Val4866Ile (NM_001374730.1); c.21841G>A, p.Val7281Ile (NM_001374734.1); c.13945G>A, p.Val4649Ile (NM_015548.5); c.14923G>A, p.Val4975Ile (NM_183380.4); short protein forms V7272I, V4649I, V4866I, V4975I, V5153I, V7281I, V5015I, V6952I.
Identifiers: ClinVar variation 965581 (VCV000965581.8), dbSNP rs767613702, ClinGen allele CA3866394.

ClinVar aggregate classification (germline): Uncertain significance (1 of 4 stars; one submission).

Conditions:
Hereditary sensory and autonomic neuropathy type 6. Also called: Neuropathy, hereditary sensory and autonomic, type VI; HSAN VI. Identifiers: Orphanet 314381, MedGen C3539003, MONDO:0013839, OMIM 614653.
Epidermolysis bullosa simplex 3, localized or generalized intermediate, with BP230 deficiency (EBS3). Also called: Epidermolysis bullosa simplex, autosomal recessive 2; Epidermolysis bullosa simplex due to BP230 deficiency. Identifiers: Orphanet 412181, MedGen C3809470, MONDO:0014180, OMIM 615425.

Allele frequency attached by ClinVar (database versions not stated): TOPMed below 0.00001; ExAC 0.00001.
gnomAD v4.1: 4 of 1,612,884 alleles (0.00025%); highest among the groups gnomAD compares: East Asian, 0.0045%; no homozygotes.

Submission:

Labcorp Genetics (formerly Invitae), Labcorp
Classification: Uncertain significance for Epidermolysis bullosa simplex 3, localized or generalized intermediate, with BP230 deficiency; Hereditary sensory and autonomic neuropathy type 6. Last evaluated: 2019-11-11. Review status: criteria provided, single submitter. Criteria: Invitae Variant Classification Sherloc (09022015). Collection method: clinical testing. Allele origin: germline.
Comment: Algorithms developed to predict the effect of missense changes on protein structure and function are either unavailable or do not agree on the potential impact of this missense change (SIFT: "Tolerated"; PolyPhen-2: "Not Available"; Align-GVGD: "Class C0"). This sequence change replaces valine with isoleucine at codon 4649 of the DST protein (p.Val4649Ile). The valine residue is moderately conserved and there is a small physicochemical difference between the two amino acids. The DST gene has multiple clinically relevant transcripts. This variant occurs in alternate transcript NM_015548.4, and corresponds to NM_001723.5:c.*139318G>A in the primary transcript. This variant is present in population databases (rs767613702, ExAC 0.01%). This variant has not been reported in the literature in individuals with DST-related conditions. In summary, the available evidence is currently insufficient to determine the role of this variant in disease. Therefore, it has been classified as a Variant of Uncertain Significance.